The following is an entry in ClinVar:

NM_001084.5(PLOD3):c.1988C>G (p.Ser663Cys)

Gene: PLOD3 (procollagen-lysine,2-oxoglutarate 5-dioxygenase 3; minus strand). Cytogenetic location: 7q22.1.
Variant type: single nucleotide variant.
Coding change: c.1988C>G on transcript NM_001084.5 (MANE Select); coding-DNA position 1988, C replaced by G.
Protein change: p.Ser663Cys; replaces serine 663 with cysteine.
Molecular consequence: missense variant.
Genome position (GRCh38, 1-based): chr7:101,206,852, G>C on the plus strand (C>G on the coding strand, the complement: PLOD3 is on the minus strand). VCF-style: chr7-101206852-G-C. GRCh37 (hg19) VCF-style: chr7-100850133-G-C.
Other names: c.1988C>G (NM_001084.4); short protein forms S663C.
Identifiers: ClinVar variation 1345123 (VCV001345123.6), dbSNP rs1281185643, ClinGen allele CA368609623.

ClinVar aggregate classification (germline): Uncertain significance. Review status: criteria provided, multiple submitters, no conflicts (2 of 4 stars). 2 submissions from 2 submitters: Uncertain significance (2). Last evaluated 2023-01-10.

Conditions:
Inborn genetic diseases. Identifiers: MedGen C0950123, MeSH D030342.

gnomAD v4.1: 2 of 1,567,366 alleles (0.00013%); highest among the groups gnomAD compares: Non-Finnish European, 0.00017%; no homozygotes.

Submissions (2):

Ambry Genetics
Classification: Uncertain significance for Inborn genetic diseases. Last evaluated: 2023-01-10. Review status: criteria provided, single submitter. Criteria: Ambry Variant Classification Scheme 2023. Collection method: clinical testing. Allele origin: germline.

Labcorp Genetics (formerly Invitae), Labcorp
Classification: Uncertain significance. Last evaluated: 2021-08-31. Review status: criteria provided, single submitter. Criteria: Invitae Variant Classification Sherloc (09022015). Collection method: clinical testing. Allele origin: germline.
Comment: This sequence change replaces serine with cysteine at codon 663 of the PLOD3 protein (p.Ser663Cys). The serine residue is highly conserved and there is a moderate physicochemical difference between serine and cysteine. This variant is not present in population databases (ExAC no frequency). This variant has not been reported in the literature in individuals affected with PLOD3-related conditions. Algorithms developed to predict the effect of missense changes on protein structure and function are either unavailable or do not agree on the potential impact of this missense change (SIFT: "Deleterious"; PolyPhen-2: "Possibly Damaging"; Align-GVGD: "Class C0"). In summary, the available evidence is currently insufficient to determine the role of this variant in disease. Therefore, it has been classified as a Variant of Uncertain Significance.